The following is an entry in ClinVar:

NM_000135.4(FANCA):c.2136G>T (p.Glu712Asp)

Gene: FANCA (FA complementation group A; minus strand). Cytogenetic location: 16q24.3.
Variant type: single nucleotide variant.
Coding change: c.2136G>T on transcript NM_000135.4 (MANE Select); coding-DNA position 2136, G replaced by T.
Protein change: p.Glu712Asp; replaces glutamic acid 712 with aspartic acid.
Molecular consequence: missense variant.
Genome position (GRCh38, 1-based): chr16:89,771,693, C>A on the plus strand (G>T on the coding strand, the complement: FANCA is on the minus strand). VCF-style: chr16-89771693-C-A. GRCh37 (hg19) VCF-style: chr16-89838101-C-A.
Other names: c.2136G>T, p.Glu712Asp (NM_001286167.3); short protein forms E712D.
Identifiers: ClinVar variation 4826905 (VCV004826905.1).
Genomic context (GRCh38, chr16:89,771,693, plus strand): 5'-AAAATGGTGAAGACCCCCTGCTTTGTTCTGAGCCCCTACACCTACCATGTGTTCCCGTGG[C>A]TCCAGTCTCGGCGTGTTGATGCTGAGCTGAATCTTTGATATCTCAACGCTGCTGTCATCC-3'
Protein context (NP_000126.2, residues 702-722): IQLSINTPRL[Glu712Asp]PREHMAVDLL

ClinVar aggregate classification (germline): Uncertain significance (1 of 4 stars; one submission).

Conditions:
Inborn genetic diseases. Identifiers: MedGen C0950123, MeSH D030342.

Submission:

Ambry Genetics
Classification: Uncertain significance for Inborn genetic diseases. Last evaluated: 2026-02-28. Review status: criteria provided, single submitter. Criteria: Ambry Variant Classification Scheme 2023. Collection method: clinical testing. Allele origin: germline.
Comment: The p.E712D variant (also known as c.2136G>T), located in coding exon 23 of the FANCA gene, results from a G to T substitution at nucleotide position 2136. The glutamic acid at codon 712 is replaced by aspartic acid, an amino acid with highly similar properties. This amino acid position is conserved. In addition, this alteration is predicted to be tolerated by in silico analysis. Based on the available evidence, the clinical significance of this variant remains unclear.